The following is an entry in ClinVar:

NM_000159.4(GCDH):c.333A>G (p.Lys111=)

Gene: GCDH (glutaryl-CoA dehydrogenase; plus strand). Cytogenetic location: 19p13.13.
Variant type: single nucleotide variant.
Coding change: c.333A>G on transcript NM_000159.4 (MANE Select); coding-DNA position 333, A replaced by G.
Protein change: p.Lys111=; no amino-acid change (lysine 111 retained).
Molecular consequence: synonymous variant. On other transcripts: non-coding transcript variant (1).
Genome position (GRCh38, 1-based): chr19:12,892,177, A>G. VCF-style: chr19-12892177-A-G. GRCh37 (hg19) VCF-style: chr19-13002991-A-G.
Other names: c.333A>G, p.Lys111= (NM_013976.5).
Identifiers: ClinVar variation 3544377 (VCV003544377.3).

ClinVar aggregate classification (germline): Likely pathogenic (1 of 4 stars; one submission).

Conditions:
Glutaric aciduria, type 1. Also called: Glutaricacidemia Type 1; Glutaryl-CoA dehydrogenase deficiency; Glutaric acidemia type I; GA I; Glutaricaciduria, type I; Glutaric Acidemia Type 1. Identifiers: Orphanet 25, MedGen C0268595, MONDO:0009281, OMIM 231670.

Submission:

Human Genome Lab, NIMHANS, National Institute of Mental Health and Neuro Sciences
Classification: Likely pathogenic for Glutaric aciduria, type 1. Review status: criteria provided, single submitter. Criteria: ACMG Guidelines, 2015. Collection method: clinical testing, research. Allele origin: germline, not applicable. Inheritance: Autosomal recessive inheritance. Affected: yes. Observed: 1 homozygote. Functional consequence: effect on RNA splicing.
Comment: The synonymous variant NM_000159.4(GCDH):c.333A>G (p.Lys111=) has not been reported previously as a pathogenic variant nor as a benign variant, to our knowledge. The p.Lys111= variant is novel (not in any individuals) in 1kG All as well as in our inhouse database. The p.Lys111= variant is novel (not in any individuals) in TopMed All. The p.Lys111= variant is novel (not in any individuals) in gnomAD4-Joint-Variant Frequencies. The p.Lys111= variant is not predicted to disrupt the existing donor splice site 2bp upstream by any splice site algorithm. However, upon functional studies on research basis (RNA-seq), the variant caused aberrant splicing and exon skipping. In addition, the phenotype of the proband matches with the disorder caused by pathogenic variants in GCDH gene. Thus, was found to be damaging. For these reasons, this variant has been classified as Likely Pathogenic.